The following is an entry in ClinVar:

ClinVar aggregate classification (germline): Pathogenic (1 of 4 stars; one submission).

Conditions:
Phenylketonuria (PKU). Also called: FOLLING DISEASE; OLIGOPHRENIA PHENYLPYRUVICA; Phenylketonurias; Phenylketonuria (PKU). Identifiers: Orphanet 716, MedGen C0031485, MONDO:0009861, OMIM 261600. Disease mechanism: loss of function.

Submission:

Natera, Inc.
Classification: Pathogenic for Phenylketonuria. Last evaluated: 2024-06-27. Review status: criteria provided, single submitter. Criteria: Natera Variant Classification Schema (03/2026). Collection method: clinical testing. Allele origin: germline.
Comment: The c.509+2T>C variant in PAH is a canonical splice donor site variant predicted to affect pre-mRNA splicing, which may result in an abnormal transcript and altered protein product. This variant is expected to result in nonsense mediated decay, truncation, or a dysfunctional protein product. This variant is rare in the general population with a frequency below the threshold expected for the associated phenotype(s). Another variant at this same site results in an alteration predicted to cause a similar molecular effect has been observed in individual(s) with the associated phenotype. Given the available evidence, this variant is classified as Pathogenic.

NM_000277.3(PAH):c.509+2T>C

Gene: PAH (phenylalanine hydroxylase; minus strand). Cytogenetic location: 12q23.2.
Variant type: single nucleotide variant.
Coding change: c.509+2T>C on transcript NM_000277.3 (MANE Select); the canonical splice donor site of the intron after coding-DNA position 509, T replaced by C.
Molecular consequence: splice donor variant.
Genome position (GRCh38, 1-based): chr12:102,866,594, A>G on the plus strand (T>C on the coding strand, the complement: PAH is on the minus strand). VCF-style: chr12-102866594-A-G. GRCh37 (hg19) VCF-style: chr12-103260372-A-G.
Other names: c.509+2T>C (NM_001354304.2).
Identifiers: ClinVar variation 4818093 (VCV004818093.1).